The following is an entry in ClinVar:

NM_007294.4(BRCA1):c.1728dup (p.Glu577fs)

Gene: BRCA1 (BRCA1 DNA repair associated; minus strand). Cytogenetic location: 17q21.31.
Variant type: Duplication.
Coding change: c.1728dup on transcript NM_007294.4 (MANE Select); coding-DNA position 1728, one base duplicated (A; older notation c.1728dupA).
Protein change: p.Glu577fs; shifts the reading frame from glutamic acid 577.
Molecular consequence: frameshift variant. On other transcripts: intron variant (137).
Genome position (GRCh38, 1-based): chr17:43,093,803, T duplicated on the plus strand (A on the coding strand, the reverse complement: BRCA1 is on the minus strand); the first of 5 consecutive T bases (chr17:43,093,803-43,093,807); duplicating any one gives the same sequence. VCF-style (leftmost placement, unchanged base first): chr17-43093802-C-CT. GRCh37 (hg19) VCF-style: chr17-41245819-C-CT.
Other names: 1847insA; c.1728dupA (NM_007294.3); c.1515dup, p.Glu506fs (NM_001407571.1, NM_001407853.1, NM_001407894.1 and 9 more transcripts); c.1728dup, p.Glu577fs (NM_001407581.1, NM_001407582.1, NM_001407583.1 and 30 more transcripts); c.1725dup, p.Glu576fs (NM_001407587.1, NM_001407590.1, NM_001407591.1 and 22 more transcripts); c.1602dup, p.Glu535fs (NM_001407649.1, NM_001407670.1, NM_001407671.1 and 11 more transcripts); c.1650dup, p.Glu551fs (NM_001407653.1, NM_001407654.1, NM_001407655.1 and 4 more transcripts); c.1605dup, p.Glu536fs (NM_001407669.1, NM_001407674.1, NM_001407675.1 and 19 more transcripts); and 42 more; short protein forms E577fs, E530fs, E281fs, E466fs, E488fs, E509fs, E550fs, E576fs.
Identifiers: ClinVar variation 37428 (VCV000037428.46), dbSNP rs397507192, ClinGen allele CA001130.
Genomic context (GRCh38, chr17:43,093,802, plus strand): 5'-CGAGTTCCATATTGCTTATACTGCTGCTTATAGGTTCAGCTTTCGTTTTGAAAGCAGATT[C>CT]TTTTTCGAGTGATTCTATTGGGTTAGGATTTTTCTCATTCTGAATAGAATCACCTTTTGT-3'

ClinVar aggregate classification (germline): Pathogenic. Review status: reviewed by expert panel (3 of 4 stars). 5 submissions from 5 submitters: Pathogenic (1). 4 of the submissions do not count toward it. Last evaluated 2016-09-08.

Conditions:
Hereditary breast ovarian cancer syndrome. Also called: Hereditary breast and ovarian cancer; Breast and ovarian cancer; Hereditary breast and/or ovarian cancer syndrome; Hereditary breast and ovarian cancer syndrome (HBOC); Hereditary breast and ovarian cancer syndrome; BRCA1- and BRCA2-Associated Hereditary Breast and Ovarian Cancer. Identifiers: Orphanet 145, MedGen C0677776, MeSH D061325, MONDO:0003582. Disease mechanism: loss of function.
Breast-ovarian cancer, familial, susceptibility to, 1 (BROVCA1). Also called: OVARIAN CANCER, SUSCEPTIBILITY TO; BRCA1 Hereditary Breast and Ovarian Cancer. Identifiers: Orphanet 145, MedGen C2676676, MONDO:0011450, OMIM 604370. Disease mechanism: loss of function.
Ovarian carcinoma. Identifiers: MedGen C4721610, MONDO:0005140, HP:0025318.

Submissions (5):

Evidence-based Network for the Interpretation of Germline Mutant Alleles (ENIGMA)
Classification: Pathogenic for Breast-ovarian cancer, familial, susceptibility to, 1. Last evaluated: 2016-09-08. Review status: reviewed by expert panel. Criteria: ENIGMA BRCA1/2 Classification Criteria (2015). Collection method: curation. Allele origin: germline.
Comment: Variant allele predicted to encode a truncated non-functional protein.

Labcorp Genetics (formerly Invitae), Labcorp
Classification: Pathogenic for Hereditary breast ovarian cancer syndrome. Last evaluated: 2024-03-16. Review status: criteria provided, single submitter. Criteria: Invitae Variant Classification Sherloc (09022015). Collection method: clinical testing. Allele origin: germline. Not counted in ClinVar's aggregate classification.
Comment: This sequence change creates a premature translational stop signal (p.Glu577Argfs*9) in the BRCA1 gene. It is expected to result in an absent or disrupted protein product. Loss-of-function variants in BRCA1 are known to be pathogenic (PMID: 20104584). This variant is not present in population databases (gnomAD no frequency). This premature translational stop signal has been observed in individual(s) with personal and/or family history of breast and/or ovarian cancer (PMID: 26187060). ClinVar contains an entry for this variant (Variation ID: 37428). For these reasons, this variant has been classified as Pathogenic.

Institute of Human Genetics, University of Leipzig Medical Center
Classification: Pathogenic for Ovarian carcinoma. Last evaluated: 2022-04-14. Review status: criteria provided, single submitter. Criteria: ACMG Guidelines, 2015. Collection method: clinical testing. Allele origin: unknown. Affected: yes. Not counted in ClinVar's aggregate classification.
Comment: _x000D_ Criteria applied: PVS1, PS4_MOD, PM2_SUP

CeGaT Center for Human Genetics Tuebingen
Classification: Pathogenic. Last evaluated: 2021-09-01. Review status: criteria provided, single submitter. Criteria: CeGaT Center For Human Genetics Tuebingen Variant Classification Criteria Version 2. Collection method: clinical testing. Allele origin: germline. Affected: yes. Observed: 1 variant allele. Not counted in ClinVar's aggregate classification.

Sharing Clinical Reports Project (SCRP)
Classification: Pathogenic for Breast-ovarian cancer, familial 1. Last evaluated: 2008-04-07. Review status: no assertion criteria provided. Collection method: clinical testing. Allele origin: germline. Not counted in ClinVar's aggregate classification.

Literature cited by the submitters: PubMed 20104584 (cited by Labcorp Genetics (formerly Invitae), Labcorp); PubMed 26187060 (cited by Labcorp Genetics (formerly Invitae), Labcorp).